The following is an entry in ClinVar:

NM_000834.5(GRIN2B):c.2598+1G>T

Gene: GRIN2B (glutamate ionotropic receptor NMDA type subunit 2B; minus strand). Cytogenetic location: 12p13.1.
Variant type: single nucleotide variant.
Coding change: c.2598+1G>T on transcript NM_000834.5 (MANE Select); the canonical splice donor site of the intron after coding-DNA position 2598, G replaced by T.
Molecular consequence: splice donor variant.
Genome position (GRCh38, 1-based): chr12:13,567,024, C>A on the plus strand (G>T on the coding strand, the complement: GRIN2B is on the minus strand). VCF-style: chr12-13567024-C-A. GRCh37 (hg19) VCF-style: chr12-13719958-C-A.
Other names: c.2598+1G>T (NM_001413992.1).
Identifiers: ClinVar variation 1793583 (VCV001793583.2), dbSNP rs2497475487, ClinGen allele CA383995884.

ClinVar aggregate classification (germline): Uncertain significance (1 of 4 stars; one submission).

Conditions:
Inborn genetic diseases. Identifiers: MedGen C0950123, MeSH D030342.

Submission:

Ambry Genetics
Classification: Uncertain significance for Inborn genetic diseases. Last evaluated: 2017-10-25. Review status: criteria provided, single submitter. Criteria: Ambry Variant Classification Scheme 2023. Collection method: clinical testing. Allele origin: germline.
Comment: The c.2598+1G>T intronic variant results from a G to T substitution one nucleotide after coding exon 11 of the GRIN2B gene. This alteration disrupts the highly conserved canonical splice donor site. Using the BDGP and ESEfinder splice site prediction tools, this alteration is predicted to abolish the native splice donor site; however, direct evidence is unavailable. Alterations that disrupt the canonical splice site are expected to cause aberrant splicing, resulting in an abnormal protein or a transcript that is subject to nonsense-mediated mRNA decay (NMD). However, this alteration occurs in the last intron and thus could escape NMD. Since supporting evidence is limited at this time, the clinical significance of this alteration remains unclear.